The following is an entry in ClinVar:

ClinVar aggregate classification (germline): Uncertain significance (1 of 4 stars; one submission).

Conditions:
Bardet-Biedl syndrome (BBS). Identifiers: Orphanet 110, MedGen C0752166, MONDO:0015229.

Submission:

Labcorp Genetics (formerly Invitae), Labcorp
Classification: Uncertain significance for Bardet-Biedl syndrome. Last evaluated: 2021-09-01. Review status: criteria provided, single submitter. Criteria: Invitae Variant Classification Sherloc (09022015). Collection method: clinical testing. Allele origin: germline.
Comment: This sequence change replaces alanine with serine at codon 113 of the BBS7 protein (p.Ala113Ser). The alanine residue is highly conserved and there is a moderate physicochemical difference between alanine and serine. This variant is not present in population databases (ExAC no frequency). This variant has not been reported in the literature in individuals affected with BBS7-related conditions. Algorithms developed to predict the effect of missense changes on protein structure and function (SIFT, PolyPhen-2, Align-GVGD) all suggest that this variant is likely to be tolerated. In summary, the available evidence is currently insufficient to determine the role of this variant in disease. Therefore, it has been classified as a Variant of Uncertain Significance.

NM_176824.3(BBS7):c.337G>T (p.Ala113Ser)

Gene: BBS7 (Bardet-Biedl syndrome 7; minus strand). Cytogenetic location: 4q27.
Variant type: single nucleotide variant.
Coding change: c.337G>T on transcript NM_176824.3 (MANE Select); coding-DNA position 337, G replaced by T.
Protein change: p.Ala113Ser; replaces alanine 113 with serine.
Molecular consequence: missense variant.
Genome position (GRCh38, 1-based): chr4:121,861,508, C>A on the plus strand (G>T on the coding strand, the complement: BBS7 is on the minus strand). VCF-style: chr4-121861508-C-A. GRCh37 (hg19) VCF-style: chr4-122782663-C-A.
Other names: c.337G>T, p.Ala113Ser (NM_018190.4); short protein forms A113S.
Identifiers: ClinVar variation 1500026 (VCV001500026.6), dbSNP rs2149087425, ClinGen allele CA358044101.
Genomic context (GRCh38, chr4:121,861,508, plus strand): 5'-TATCCAAAATATTATAAATAAGTATGTAAAAATACAAAAGAGAACAAAAGACATACATAG[C>A]TTTAATGCTTTCAGTGAGGTTTGTTTCAAAGGAGAGGAACTGTTTTCCTCTTTTTGTGAA-3'
Protein context (NP_789794.1, residues 103-123): FETNLTESIK[Ala113Ser]MHISGSDLFL